The following is an entry in ClinVar:

ClinVar aggregate classification (germline): Uncertain significance (1 of 4 stars; one submission).

Conditions:
Immunodeficiency, common variable, 10. Also called: DEFICIT IN ANTERIOR PITUITARY FUNCTION AND VARIABLE IMMUNODEFICIENCY; IMMUNODEFICIENCY, COMMON VARIABLE, WITH CENTRAL ADRENAL INSUFFICIENCY. Identifiers: MedGen C3809991, MONDO:0014260, OMIM 615577.

gnomAD v4.1: 1 of 1,546,398 alleles (0.000065%); highest among the groups gnomAD compares: Non-Finnish European, 0.000087%; no homozygotes.

Submission:

Labcorp Genetics (formerly Invitae), Labcorp
Classification: Uncertain significance for Immunodeficiency, common variable, 10. Last evaluated: 2019-09-03. Review status: criteria provided, single submitter. Criteria: Invitae Variant Classification Sherloc (09022015). Collection method: clinical testing. Allele origin: germline.
Comment: In summary, the available evidence is currently insufficient to determine the role of this variant in disease. Therefore, it has been classified as a Variant of Uncertain Significance. Algorithms developed to predict the effect of missense changes on protein structure and function are either unavailable or do not agree on the potential impact of this missense change (SIFT: "Deleterious"; PolyPhen-2: "Benign"; Align-GVGD: "Class C0"). This variant has not been reported in the literature in individuals with NFKB2-related conditions. The frequency data for this variant in the population databases is considered unreliable, as metrics indicate insufficient coverage at this position in the ExAC database. This sequence change replaces serine with arginine at codon 457 of the NFKB2 protein (p.Ser457Arg). The serine residue is weakly conserved and there is a moderate physicochemical difference between serine and arginine.

NM_001322934.2(NFKB2):c.1369A>C (p.Ser457Arg)

Gene: NFKB2 (nuclear factor kappa B subunit 2; plus strand). Cytogenetic location: 10q24.32.
Variant type: single nucleotide variant.
Coding change: c.1369A>C on transcript NM_001322934.2 (MANE Select); coding-DNA position 1369, A replaced by C.
Protein change: p.Ser457Arg; replaces serine 457 with arginine.
Molecular consequence: missense variant.
Genome position (GRCh38, 1-based): chr10:102,399,618, A>C. VCF-style: chr10-102399618-A-C. GRCh37 (hg19) VCF-style: chr10-104159375-A-C.
Other names: c.1369A>C, p.Ser457Arg (NM_001077494.3, NM_001261403.3, NM_001288724.1 and 1 more transcripts); c.1243A>C, p.Ser415Arg (NM_001322935.1); short protein forms S457R, S415R.
Identifiers: ClinVar variation 956799 (VCV000956799.9), dbSNP rs1589865861, ClinGen allele CA377899475.